The following is an entry in ClinVar:

NM_015206.3(MINAR1):c.1213T>C (p.Phe405Leu)

Gene: MINAR1 (membrane integral NOTCH2 associated receptor 1; plus strand). Cytogenetic location: 15q25.1.
Variant type: single nucleotide variant.
Coding change: c.1213T>C on transcript NM_015206.3 (MANE Select); coding-DNA position 1213, T replaced by C.
Protein change: p.Phe405Leu; replaces phenylalanine 405 with leucine.
Molecular consequence: missense variant.
Genome position (GRCh38, 1-based): chr15:79,457,360, T>C. VCF-style: chr15-79457360-T-C. GRCh37 (hg19) VCF-style: chr15-79749702-T-C.
Other names: short protein forms F405L.
Identifiers: ClinVar variation 2645627 (VCV002645627.24), dbSNP rs79651143, ClinGen allele CA7689815.

ClinVar aggregate classification (germline): Likely benign (1 of 4 stars; one submission).

Allele frequency attached by ClinVar (database versions not stated): 1000 Genomes Project 0.00060; 1000 Genomes Project 30x 0.00125; ExAC 0.00277; TOPMed 0.00288; gnomAD 0.00304; ESP Exome Variant Server 0.00424.
gnomAD v4.1: 7,656 of 1,614,026 alleles (0.47%); highest among the groups gnomAD compares: Non-Finnish European, 0.61%; 23 homozygotes.

Submission:

CeGaT Center for Human Genetics Tuebingen
Classification: Likely benign. Last evaluated: 2023-01-01. Review status: criteria provided, single submitter. Criteria: CeGaT Center For Human Genetics Tuebingen Variant Classification Criteria Version 2. Collection method: clinical testing. Allele origin: germline. Affected: yes. Observed: 1 variant allele.
Comment: MINAR1: BS2